The following is an entry in ClinVar:

ClinVar aggregate classification (germline): Pathogenic (1 of 4 stars; one submission).

Submission:

Labcorp Genetics (formerly Invitae), Labcorp
Classification: Pathogenic. Last evaluated: 2024-12-15. Review status: criteria provided, single submitter. Criteria: Invitae Variant Classification Sherloc (09022015). Collection method: clinical testing. Allele origin: germline.
Comment: This sequence change creates a premature translational stop signal (p.Gln657*) in the COL4A5 gene. It is expected to result in an absent or disrupted protein product. Loss-of-function variants in COL4A5 are known to be pathogenic (PMID: 9195222, 10752524, 14514738, 24854265, 26809805). This variant is not present in population databases (gnomAD no frequency). This variant has not been reported in the literature in individuals affected with COL4A5-related conditions. For these reasons, this variant has been classified as Pathogenic.

Literature cited by the submitters: PubMed 9195222; PubMed 10752524; PubMed 14514738; PubMed 24854265; PubMed 26809805.

NM_033380.3(COL4A5):c.1969C>T (p.Gln657Ter)

Gene: COL4A5 (collagen type IV alpha 5 chain; plus strand). Cytogenetic location: Xq22.3.
Variant type: single nucleotide variant.
Coding change: c.1969C>T on transcript NM_033380.3 (MANE Select); coding-DNA position 1969, C replaced by T.
Protein change: p.Gln657Ter; replaces glutamine 657 with a stop codon.
Molecular consequence: nonsense.
Genome position (GRCh38, 1-based): chrX:108,601,413, C>T. VCF-style: chrX-108601413-C-T. GRCh37 (hg19) VCF-style: chrX-107844643-C-T.
Other names: c.1969C>T, p.Gln657Ter (NM_000495.5); short protein forms Q657*.
Identifiers: ClinVar variation 3727365 (VCV003727365.2).